The following is an entry in ClinVar:

NM_000245.4(MET):c.767A>G (p.Asn256Ser)

Gene: MET (MET proto-oncogene, receptor tyrosine kinase; plus strand). Cytogenetic location: 7q31.2.
Variant type: single nucleotide variant.
Coding change: c.767A>G on transcript NM_000245.4 (MANE Select); coding-DNA position 767, A replaced by G.
Protein change: p.Asn256Ser; replaces asparagine 256 with serine.
Molecular consequence: missense variant. On other transcripts: intron variant (1).
Genome position (GRCh38, 1-based): chr7:116,699,851, A>G. VCF-style: chr7-116699851-A-G. GRCh37 (hg19) VCF-style: chr7-116339905-A-G.
Other names: c.767A>G, p.Asn256Ser (NM_001127500.3, NM_001324401.3); c.-91+27274A>G (NM_001324402.2); short protein forms N256S.
Identifiers: ClinVar variation 3013733 (VCV003013733.3), dbSNP rs2116597333, ClinGen allele CA368969807.

ClinVar aggregate classification (germline): Uncertain significance (1 of 4 stars; one submission).

Conditions:
Renal cell carcinoma. Identifiers: Orphanet 217071, MedGen C0007134, MeSH D002292, MONDO:0005086, HP:0005584.

Submission:

Labcorp Genetics (formerly Invitae), Labcorp
Classification: Uncertain significance for Renal cell carcinoma. Last evaluated: 2024-01-03. Review status: criteria provided, single submitter. Criteria: Invitae Variant Classification Sherloc (09022015). Collection method: clinical testing. Allele origin: germline.
Comment: This sequence change replaces asparagine, which is neutral and polar, with serine, which is neutral and polar, at codon 256 of the MET protein (p.Asn256Ser). This variant is not present in population databases (gnomAD no frequency). This variant has not been reported in the literature in individuals affected with MET-related conditions. Advanced modeling of protein sequence and biophysical properties (such as structural, functional, and spatial information, amino acid conservation, physicochemical variation, residue mobility, and thermodynamic stability) performed at Invitae indicates that this missense variant is not expected to disrupt MET protein function with a negative predictive value of 80%. In summary, the available evidence is currently insufficient to determine the role of this variant in disease. Therefore, it has been classified as a Variant of Uncertain Significance.